The following is an entry in ClinVar:

NM_000318.3(PEX2):c.497T>G (p.Leu166Trp)

Gene: PEX2 (peroxisomal biogenesis factor 2; minus strand). Cytogenetic location: 8q21.13.
Variant type: single nucleotide variant.
Coding change: c.497T>G on transcript NM_000318.3 (MANE Select); coding-DNA position 497, T replaced by G.
Protein change: p.Leu166Trp; replaces leucine 166 with tryptophan.
Molecular consequence: missense variant.
Genome position (GRCh38, 1-based): chr8:76,983,682, A>C on the plus strand (T>G on the coding strand, the complement: PEX2 is on the minus strand). VCF-style: chr8-76983682-A-C. GRCh37 (hg19) VCF-style: chr8-77895918-A-C.
Other names: c.497T>G, p.Leu166Trp (NM_001079867.2, NM_001172086.2, NM_001172087.2); short protein forms L166W.
Identifiers: ClinVar variation 1964165 (VCV001964165.2), dbSNP rs1586069639, ClinGen allele CA371557214.
Genomic context (GRCh38, chr8:76,983,682, plus strand): 5'-ACTTCACATATGTTTTGAGGCTTGCAAAATACAGAATGAATACCTAGGAGACGTTCTGTC[A>C]AAGTTGCAAACTTTCCCCTCTGAAGGAAAATCAAAAAATTAATCAGCCCACCTAATTTCA-3'
Protein context (NP_000309.2, residues 156-176): IFLQRGKFAT[Leu166Trp]TERLLGIHSV

ClinVar aggregate classification (germline): Uncertain significance (1 of 4 stars; one submission).

Conditions:
Peroxisome biogenesis disorder 5A (Zellweger) (PBD5A). Identifiers: Orphanet 912, MedGen C3553940, MONDO:0013932, OMIM 614866.

Allele frequency attached by ClinVar (database versions not stated): gnomAD exomes below 0.00001; TOPMed below 0.00001.

Submission:

Labcorp Genetics (formerly Invitae), Labcorp
Classification: Uncertain significance for Peroxisome biogenesis disorder 5A (Zellweger). Last evaluated: 2022-06-20. Review status: criteria provided, single submitter. Criteria: Invitae Variant Classification Sherloc (09022015). Collection method: clinical testing. Allele origin: germline.
Comment: This sequence change replaces leucine, which is neutral and non-polar, with tryptophan, which is neutral and slightly polar, at codon 166 of the PEX2 protein (p.Leu166Trp). This variant is not present in population databases (gnomAD no frequency). This variant has not been reported in the literature in individuals affected with PEX2-related conditions. Algorithms developed to predict the effect of missense changes on protein structure and function (SIFT, PolyPhen-2, Align-GVGD) all suggest that this variant is likely to be disruptive. In summary, the available evidence is currently insufficient to determine the role of this variant in disease. Therefore, it has been classified as a Variant of Uncertain Significance.